The following is an entry in ClinVar:

ClinVar aggregate classification (germline): Uncertain significance (1 of 4 stars; one submission).

Submission:

GeneDx
Classification: Uncertain significance. Last evaluated: 2023-03-29. Review status: criteria provided, single submitter. Criteria: GeneDx Variant Classification Process June 2021. Collection method: clinical testing. Allele origin: germline. Affected: yes.
Comment: Not observed at significant frequency in large population cohorts (gnomAD); In silico analysis supports that this missense variant has a deleterious effect on protein structure/function; Has not been previously published as pathogenic or benign to our knowledge

NM_032228.6(FAR1):c.1297T>C (p.Tyr433His)

Gene: FAR1 (fatty acyl-CoA reductase 1; plus strand). Cytogenetic location: 11p15.3.
Variant type: single nucleotide variant.
Coding change: c.1297T>C on transcript NM_032228.6 (MANE Select); coding-DNA position 1297, T replaced by C.
Protein change: p.Tyr433His; replaces tyrosine 433 with histidine.
Molecular consequence: missense variant.
Genome position (GRCh38, 1-based): chr11:13,727,595, T>C. VCF-style: chr11-13727595-T-C. GRCh37 (hg19) VCF-style: chr11-13749142-T-C.
Other names: short protein forms Y433H.
Identifiers: ClinVar variation 2582124 (VCV002582124.1), dbSNP rs2500167927, ClinGen allele CA379859041.